The following is an entry in ClinVar:

ClinVar aggregate classification (germline): Uncertain significance (1 of 4 stars; one submission).

Conditions:
Hereditary cancer-predisposing syndrome. Also called: Neoplastic Syndromes, Hereditary; Hereditary neoplastic syndrome; Tumor predisposition; Hereditary Cancer Syndrome. Identifiers: Orphanet 140162, MedGen C0027672, MeSH D009386, MONDO:0015356.

Submission:

Ambry Genetics
Classification: Uncertain significance for Hereditary cancer-predisposing syndrome. Last evaluated: 2023-02-28. Review status: criteria provided, single submitter. Criteria: Ambry Variant Classification Scheme 2023. Collection method: clinical testing. Allele origin: germline.
Comment: The p.N705Y variant (also known as c.2113A>T), located in coding exon 14 of the KIT gene, results from an A to T substitution at nucleotide position 2113. The asparagine at codon 705 is replaced by tyrosine, an amino acid with dissimilar properties. This amino acid position is conserved. In addition, the in silico prediction for this alteration is inconclusive. Since supporting evidence is limited at this time, the clinical significance of this alteration remains unclear.

NM_000222.3(KIT):c.2113A>T (p.Asn705Tyr)

Gene: KIT (KIT proto-oncogene, receptor tyrosine kinase; plus strand). Cytogenetic location: 4q12.
Variant type: single nucleotide variant.
Coding change: c.2113A>T on transcript NM_000222.3 (MANE Select); coding-DNA position 2113, A replaced by T.
Protein change: p.Asn705Tyr; replaces asparagine 705 with tyrosine.
Molecular consequence: missense variant.
Genome position (GRCh38, 1-based): chr4:54,729,457, A>T. VCF-style: chr4-54729457-A-T. GRCh37 (hg19) VCF-style: chr4-55595623-A-T.
Other names: c.2101A>T, p.Asn701Tyr (NM_001093772.2, NM_001385286.1); c.2116A>T, p.Asn706Tyr (NM_001385284.1, NM_001385290.1); c.2113A>T, p.Asn705Tyr (NM_001385285.1); c.2104A>T, p.Asn702Tyr (NM_001385288.1, NM_001385292.1); short protein forms N702Y, N706Y, N705Y, N701Y.
Identifiers: ClinVar variation 2454117 (VCV002454117.2), dbSNP rs1722448939, ClinGen allele CA356909804.